The following is an entry in ClinVar:

NM_001172509.2(SATB2):c.1543-8C>G

Gene: SATB2 (SATB homeobox 2; minus strand). Cytogenetic location: 2q33.1.
Variant type: single nucleotide variant.
Coding change: c.1543-8C>G on transcript NM_001172509.2 (MANE Select); 8 bases into the intron before coding-DNA position 1543, C replaced by G.
Molecular consequence: intron variant.
Genome position (GRCh38, 1-based): chr2:199,308,965, G>C on the plus strand (C>G on the coding strand, the complement: SATB2 is on the minus strand). VCF-style: chr2-199308965-G-C. GRCh37 (hg19) VCF-style: chr2-200173688-G-C.
Other names: c.1543-8C>G (NM_001172517.1, NM_015265.4).
Identifiers: ClinVar variation 2637597 (VCV002637597.1), dbSNP rs1331179150, ClinGen allele CA538919101.

ClinVar aggregate classification (germline): Uncertain significance (1 of 4 stars; one submission).

Allele frequency attached by ClinVar (database versions not stated): gnomAD 0.00001.
gnomAD v4.1: 3 of 1,613,372 alleles (0.00019%); highest among the groups gnomAD compares: Non-Finnish European, 0.00025%; no homozygotes.

Submission:

Women's Health and Genetics/Laboratory Corporation of America, LabCorp
Classification: Uncertain significance. Last evaluated: 2023-10-04. Review status: criteria provided, single submitter. Criteria: LabCorp Variant Classification Summary - May 2015. Collection method: clinical testing. Allele origin: germline.
Comment: Variant summary: SATB2 c.1543-8C>G alters a non-conserved nucleotide located close to a canonical splice site and therefore could affect mRNA splicing, leading to a significantly altered protein sequence. Consensus agreement among computation tools predict no significant impact on normal splicing. However, these predictions have yet to be confirmed by functional studies. The variant allele was found at a frequency of 9.6e-05 in 31398 control chromosomes. The available data on variant occurrences in the general population are insufficient to allow any conclusion about variant significance. To our knowledge, no occurrence of c.1543-8C>G in individuals affected with SATB2 Associated Disorder and no experimental evidence demonstrating its impact on protein function have been reported. No submitters have cited clinical-significance assessments for this variant to ClinVar after 2014. Based on the evidence outlined above, the variant was classified as uncertain significance.